The following is an entry in ClinVar:

ClinVar aggregate classification (germline): Likely pathogenic (1 of 4 stars; one submission).

Conditions:
Dilated cardiomyopathy 1G (CMD1G). Identifiers: Orphanet 154, MedGen C1858763, MONDO:0011400, OMIM 604145.
Autosomal recessive limb-girdle muscular dystrophy type 2J (LGMDR10). Also called: MUSCULAR DYSTROPHY, LIMB-GIRDLE, AUTOSOMAL RECESSIVE 10; Limb-girdle muscular dystrophy, type 2J. Identifiers: Orphanet 140922, MedGen C1837342, MONDO:0012127, OMIM 608807.

Submission:

Labcorp Genetics (formerly Invitae), Labcorp
Classification: Likely pathogenic for Dilated cardiomyopathy 1G; Autosomal recessive limb-girdle muscular dystrophy type 2J. Last evaluated: 2022-06-08. Review status: criteria provided, single submitter. Criteria: Invitae Variant Classification Sherloc (09022015). Collection method: clinical testing. Allele origin: germline.
Comment: This variant has not been reported in the literature in individuals affected with TTN-related conditions. This variant is not present in population databases (gnomAD no frequency). In summary, the currently available evidence indicates that the variant is pathogenic, but additional data are needed to prove that conclusively. Therefore, this variant has been classified as Likely Pathogenic. This variant is located in the A band of TTN (PMID: 25589632). Truncating variants in this region are significantly overrepresented in patients affected with dilated cardiomyopathy (PMID: 25589632). Truncating variants in this region have also been reported in individuals affected with autosomal recessive centronuclear myopathy (PMID: 23975875). This sequence change creates a premature translational stop signal (p.Gly29962*) in the TTN gene. While this is not anticipated to result in nonsense mediated decay, it is expected to create a truncated TTN protein.

Literature cited by the submitters: PubMed 25589632; PubMed 23975875.

NM_001267550.2(TTN):c.89884G>T (p.Gly29962Ter)

Genes: TTN (titin; minus strand), TTN-AS1 (TTN antisense RNA 1; plus strand). Cytogenetic location: 2q31.2.
Variant type: single nucleotide variant.
Coding change: c.89884G>T on transcript NM_001267550.2 (MANE Select); coding-DNA position 89884, G replaced by T.
Protein change: p.Gly29962Ter; replaces glycine 29962 with a stop codon.
Molecular consequence: nonsense.
Genome position (GRCh38, 1-based): chr2:178,553,016, C>A on the plus strand (G>T on the coding strand, the complement: TTN is on the minus strand). VCF-style: chr2-178553016-C-A. GRCh37 (hg19) VCF-style: chr2-179417743-C-A.
Other names: c.84961G>T, p.Gly28321Ter (NM_001256850.1); c.62689G>T, p.Gly20897Ter (NM_003319.4); c.82180G>T, p.Gly27394Ter (NM_133378.4); c.63064G>T, p.Gly21022Ter (NM_133432.3); c.63265G>T, p.Gly21089Ter (NM_133437.4); short protein forms G28321*, G29962*, G20897*, G21089*, G27394*, G21022*.
Identifiers: ClinVar variation 1506442 (VCV001506442.8), dbSNP rs2154151700, ClinGen allele CA349515082.